The following is an entry in ClinVar:

NM_001034853.2(RPGR):c.2070del (p.Glu691fs)

Gene: RPGR (retinitis pigmentosa GTPase regulator; minus strand). Cytogenetic location: Xp11.4.
Variant type: Deletion.
Coding change: c.2070del on transcript NM_001034853.2 (MANE Select); coding-DNA position 2070, one base deleted (A; older notation c.2070delA).
Protein change: p.Glu691fs; shifts the reading frame from glutamic acid 691.
Molecular consequence: frameshift variant. On other transcripts: intron variant (8).
Genome position (GRCh38, 1-based): chrX:38,286,929, T deleted on the plus strand (A on the coding strand, the reverse complement: RPGR is on the minus strand). VCF-style (leftmost placement, unchanged base first): chrX-38286928-CT-C. GRCh37 (hg19) VCF-style: chrX-38146181-CT-C.
Other names: c.1569+4030del (NM_001367249.1, NM_001367250.1); c.1902+165del (NM_001367245.1); c.1386+4030del (NM_001367251.1); c.1719+165del (NM_001367246.1); c.1572+4030del (NM_001367247.1); c.1905+165del (NM_000328.3); c.1602+4030del (NM_001367248.1); short protein forms E691fs.
Identifiers: ClinVar variation 817676 (VCV000817676.6), dbSNP rs1601924055, ClinGen allele CA915951012.

ClinVar aggregate classification (germline): Pathogenic/Likely pathogenic. Review status: criteria provided, multiple submitters, no conflicts (2 of 4 stars). 2 submissions from 2 submitters: Pathogenic (1); Likely pathogenic (1). Last evaluated 2022-10-04.

Conditions:
Primary ciliary dyskinesia. Also called: Ciliary dyskinesia. Identifiers: Orphanet 244, MedGen C0008780, MONDO:0016575, HP:0012265.

Submissions (2):

Labcorp Genetics (formerly Invitae), Labcorp
Classification: Pathogenic for Primary ciliary dyskinesia. Last evaluated: 2022-10-04. Review status: criteria provided, single submitter. Criteria: Invitae Variant Classification Sherloc (09022015). Collection method: clinical testing. Allele origin: germline.
Comment: This sequence change creates a premature translational stop signal (p.Glu691Argfs*6) in the RPGR (ORF15) gene. While this is not anticipated to result in nonsense mediated decay, it is expected to disrupt the last 462 amino acid(s) of the RPGR (ORF15) protein. This variant is not present in population databases (gnomAD no frequency). This premature translational stop signal has been observed in individual(s) with cone-rod dystrophy (PMID: 33090715). ClinVar contains an entry for this variant (Variation ID: 817676). This variant disrupts a region of the RPGR (ORF15) protein in which other variant(s) (p.Leu1130Lysfs*13) have been determined to be pathogenic (PMID: 22264887; Invitae). This suggests that this is a clinically significant region of the protein, and that variants that disrupt it are likely to be disease-causing. For these reasons, this variant has been classified as Pathogenic.

GeneDx
Classification: Likely pathogenic. Last evaluated: 2018-06-12. Review status: criteria provided, single submitter. Criteria: GeneDx Variant Classification (06012015). Collection method: clinical testing. Allele origin: germline. Affected: yes.
Comment: The c.2070delA variant in the RPGR gene has not been reported previously as a pathogenic variant nor as a benign variant, to our knowledge. The c.2070delA variant causes a frameshift starting with codon Glutamic Acid 691, changes this amino acid to an Arginine residue, and creates a premature Stop codon at position 6 of the new reading frame, denoted p..Glu691ArgfsX6. This variant is predicted to cause loss of normal protein function through protein truncation, as the last 462 amino acids are lost and replaced with 5 incorrect amino acids. The c.2070delA variant is not observed in large population cohorts (Lek et al., 2016). We interpret c.2070delA as a likely pathogenic variant.

Literature cited by the submitters: PubMed 33090715 (cited by Labcorp Genetics (formerly Invitae), Labcorp); PubMed 22264887 (cited by Labcorp Genetics (formerly Invitae), Labcorp).